The following is an entry in ClinVar:

NM_000350.3(ABCA4):c.5258C>T (p.Ala1753Val)

Gene: ABCA4 (ATP binding cassette subfamily A member 4; minus strand). Cytogenetic location: 1p22.1.
Variant type: single nucleotide variant.
Coding change: c.5258C>T on transcript NM_000350.3 (MANE Select); coding-DNA position 5258, C replaced by T.
Protein change: p.Ala1753Val; replaces alanine 1753 with valine.
Molecular consequence: missense variant.
Genome position (GRCh38, 1-based): chr1:94,015,793, G>A on the plus strand (C>T on the coding strand, the complement: ABCA4 is on the minus strand). VCF-style: chr1-94015793-G-A. GRCh37 (hg19) VCF-style: chr1-94481349-G-A.
Other names: c.5036C>T, p.Ala1679Val (NM_001425324.1); short protein forms A1753V, A1679V.
Identifiers: ClinVar variation 942382 (VCV000942382.7), dbSNP rs1249295549, ClinGen allele CA341281651.

ClinVar aggregate classification (germline): Uncertain significance (1 of 4 stars; one submission).

Allele frequency attached by ClinVar (database versions not stated): TOPMed 0.00002.
gnomAD v4.1: 1 of 1,614,010 alleles (0.000062%); highest among the groups gnomAD compares: Admixed American, 0.0017%; no homozygotes.

Submission:

Labcorp Genetics (formerly Invitae), Labcorp
Classification: Uncertain significance. Last evaluated: 2021-08-20. Review status: criteria provided, single submitter. Criteria: Invitae Variant Classification Sherloc (09022015). Collection method: clinical testing. Allele origin: germline.
Comment: This sequence change replaces alanine with valine at codon 1753 of the ABCA4 protein (p.Ala1753Val). The alanine residue is highly conserved and there is a small physicochemical difference between alanine and valine. This variant is not present in population databases (ExAC no frequency). This variant has not been reported in the literature in individuals affected with ABCA4-related conditions. Algorithms developed to predict the effect of missense changes on protein structure and function (SIFT, PolyPhen-2, Align-GVGD) all suggest that this variant is likely to be disruptive. In summary, the available evidence is currently insufficient to determine the role of this variant in disease. Therefore, it has been classified as a Variant of Uncertain Significance.